The following is an entry in ClinVar:

ClinVar aggregate classification (germline): Uncertain significance (1 of 4 stars; one submission).

Conditions:
Long QT syndrome (LQTS). Identifiers: MedGen C0023976, MeSH D008133, MONDO:0002442. Disease mechanism: loss of function. Inheritance: Various modes of inheritance.

Submission:

Labcorp Genetics (formerly Invitae), Labcorp
Classification: Uncertain significance for Long QT syndrome. Last evaluated: 2024-05-28. Review status: criteria provided, single submitter. Criteria: Invitae Variant Classification Sherloc (09022015). Collection method: clinical testing. Allele origin: germline.
Comment: This sequence change replaces glutamic acid, which is acidic and polar, with valine, which is neutral and non-polar, at codon 637 of the KCNH2 protein (p.Glu637Val). This variant is not present in population databases (gnomAD no frequency). This missense change has been observed in individual(s) with Long QT Syndrome (Invitae). An algorithm developed to predict the effect of missense changes on protein structure and function (PolyPhen-2) suggests that this variant is likely to be disruptive. This variant disrupts the p.Glu637 amino acid residue in KCNH2. Other variant(s) that disrupt this residue have been determined to be pathogenic (PMID: 12062363, 12808265, 23022675, 25417810). This suggests that this residue is clinically significant, and that variants that disrupt this residue are likely to be disease-causing. In summary, the available evidence is currently insufficient to determine the role of this variant in disease. Therefore, it has been classified as a Variant of Uncertain Significance.

Literature cited by the submitters: PubMed 12062363; PubMed 12808265; PubMed 23022675; PubMed 25417810.

NM_000238.4(KCNH2):c.1910A>T (p.Glu637Val)

Gene: KCNH2 (potassium voltage-gated channel subfamily H member 2; minus strand). Cytogenetic location: 7q36.1.
Variant type: single nucleotide variant.
Coding change: c.1910A>T on transcript NM_000238.4 (MANE Select); coding-DNA position 1910, A replaced by T.
Protein change: p.Glu637Val; replaces glutamic acid 637 with valine.
Molecular consequence: missense variant. On other transcripts: non-coding transcript variant (2).
Genome position (GRCh38, 1-based): chr7:150,951,483, T>A on the plus strand (A>T on the coding strand, the complement: KCNH2 is on the minus strand). VCF-style: chr7-150951483-T-A. GRCh37 (hg19) VCF-style: chr7-150648571-T-A.
Other names: c.890A>T, p.Glu297Val (NM_001204798.2, NM_172057.3); c.1622A>T, p.Glu541Val (NM_001406753.1, NM_001406756.1); c.1733A>T, p.Glu578Val (NM_001406755.1); c.1610A>T, p.Glu537Val (NM_001406757.1); c.1910A>T, p.Glu637Val (NM_172056.3); short protein forms E297V, E541V, E537V, E578V, E637V.
Identifiers: ClinVar variation 3654834 (VCV003654834.2).
Genomic context (GRCh38, chr7:150,951,483, plus strand): 5'-GCCGCCCGCCCCTGGGCACACTCACAGCCAATGAGCATGACGCAGATGGAGAAGATCTTC[T>A]CTGAGTTGGTGTTGGGAGAGACGTTGCCGAAGCCCACACTGGTGAGGCTGCTGAAGGTGA-3'
Protein context (NP_000229.1, residues 627-647): FGNVSPNTNS[Glu637Val]KIFSICVMLI